The following is an entry in ClinVar:

NM_000540.3(RYR1):c.12901G>A (p.Ala4301Thr)

Gene: RYR1 (ryanodine receptor 1; plus strand). Cytogenetic location: 19q13.2.
Variant type: single nucleotide variant.
Coding change: c.12901G>A on transcript NM_000540.3 (MANE Select); coding-DNA position 12901, G replaced by A.
Protein change: p.Ala4301Thr; replaces alanine 4301 with threonine.
Molecular consequence: missense variant.
Genome position (GRCh38, 1-based): chr19:38,565,235, G>A. VCF-style: chr19-38565235-G-A. GRCh37 (hg19) VCF-style: chr19-39055875-G-A.
Other names: c.12886G>A, p.Ala4296Thr (NM_001042723.2); short protein forms A4301T, A4296T.
Identifiers: ClinVar variation 644048 (VCV000644048.46), dbSNP rs1599634913, ClinGen allele CA405672506.

ClinVar aggregate classification (germline): Uncertain significance. Review status: criteria provided, multiple submitters, no conflicts (2 of 4 stars). 3 submissions from 3 submitters: Uncertain significance (3). Last evaluated 2023-05-19.

Conditions:
RYR1-related disorder. Also called: RYR1-related condition; RYR1-related disorders. Identifiers: MedGen CN239331.

Allele frequency attached by ClinVar (database versions not stated): gnomAD below 0.00001 and 0.00001; gnomAD exomes 0.00001.
gnomAD v4.1: 7 of 989,064 alleles (0.00071%); highest among the groups gnomAD compares: South Asian, 0.014%; no homozygotes.

Submissions (3):

Blueprint Genetics
Classification: Uncertain significance. Last evaluated: 2023-05-19. Review status: criteria provided, single submitter. Criteria: ACMG Guidelines, 2015. Collection method: clinical testing. Allele origin: germline.

Labcorp Genetics (formerly Invitae), Labcorp
Classification: Uncertain significance for RYR1-related disorder. Last evaluated: 2022-04-28. Review status: criteria provided, single submitter. Criteria: Invitae Variant Classification Sherloc (09022015). Collection method: clinical testing. Allele origin: germline.
Comment: This sequence change replaces alanine, which is neutral and non-polar, with threonine, which is neutral and polar, at codon 4301 of the RYR1 protein (p.Ala4301Thr). The frequency data for this variant in the population databases is considered unreliable, as metrics indicate insufficient coverage at this position in the gnomAD database. This variant has not been reported in the literature in individuals affected with RYR1-related conditions. ClinVar contains an entry for this variant (Variation ID: 644048). Advanced modeling of protein sequence and biophysical properties (such as structural, functional, and spatial information, amino acid conservation, physicochemical variation, residue mobility, and thermodynamic stability) performed at Invitae indicates that this missense variant is not expected to disrupt RYR1 protein function. In summary, the available evidence is currently insufficient to determine the role of this variant in disease. Therefore, it has been classified as a Variant of Uncertain Significance.

CeGaT Center for Human Genetics Tuebingen
Classification: Uncertain significance. Last evaluated: 2019-02-01. Review status: criteria provided, single submitter. Criteria: CeGaT Center For Human Genetics Tuebingen Variant Classification Criteria Version 2. Collection method: clinical testing. Allele origin: germline. Affected: yes. Observed: 1 variant allele.